The following is an entry in ClinVar:

ClinVar aggregate classification (germline): Uncertain significance. Review status: criteria provided, multiple submitters, no conflicts (2 of 4 stars). 4 submissions from 4 submitters: Uncertain significance (4). Last evaluated 2026-08-26.

Conditions:
TSPEAR-related disorder. Also called: TSPEAR-related condition.
Inborn genetic diseases. Identifiers: MedGen C0950123, MeSH D030342.

Allele frequency attached by ClinVar (database versions not stated): TOPMed 0.00002; 1000 Genomes Project 30x 0.00016; 1000 Genomes Project 0.00020.
gnomAD v4.1: 100 of 1,576,776 alleles (0.0063%); highest among the groups gnomAD compares: South Asian, 0.083%; 1 homozygote.

Submissions (4):

PreventionGenetics, part of Exact Sciences
Classification: Uncertain significance for TSPEAR-related condition. Last evaluated: 2026-08-26. Review status: criteria provided, single submitter. Criteria: ACMG Guidelines, 2015. Collection method: clinical testing. Allele origin: germline.
Comment: The TSPEAR c.131C>T variant is predicted to result in the amino acid substitution p.Ala44Val. To our knowledge, this variant has not been reported in the literature. This variant is reported in 0.12% of alleles in individuals of South Asian descent in gnomAD. Although we suspect that this variant may be benign, at this time, the clinical significance of this variant is uncertain due to the absence of conclusive functional and genetic evidence.

Ambry Genetics
Classification: Uncertain significance for Inborn genetic diseases. Last evaluated: 2023-12-12. Review status: criteria provided, single submitter. Criteria: Ambry Variant Classification Scheme 2023. Collection method: clinical testing. Allele origin: germline.

Labcorp Genetics (formerly Invitae), Labcorp
Classification: Uncertain significance. Last evaluated: 2022-03-11. Review status: criteria provided, single submitter. Criteria: Invitae Variant Classification Sherloc (09022015). Collection method: clinical testing. Allele origin: germline.
Comment: In summary, the available evidence is currently insufficient to determine the role of this variant in disease. Therefore, it has been classified as a Variant of Uncertain Significance. Algorithms developed to predict the effect of missense changes on protein structure and function output the following: SIFT: "Deleterious"; PolyPhen-2: "Benign"; Align-GVGD: "Class C0". The valine amino acid residue is found in multiple mammalian species, which suggests that this missense change does not adversely affect protein function. ClinVar contains an entry for this variant (Variation ID: 229371). This variant has not been reported in the literature in individuals affected with TSPEAR-related conditions. This variant is present in population databases (rs145231394, gnomAD 0.1%). This sequence change replaces alanine, which is neutral and non-polar, with valine, which is neutral and non-polar, at codon 44 of the TSPEAR protein (p.Ala44Val).

Laboratory for Molecular Medicine, Mass General Brigham Personalized Medicine
Classification: Uncertain significance. Last evaluated: 2015-10-20. Review status: criteria provided, single submitter. Criteria: LMM Criteria. Collection method: clinical testing. Allele origin: germline. Observed: 1 variant allele.
Comment: Variant classified as Uncertain Significance - Favor Benign. The p.Ala44Val vari ant in TSPEAR has not been previously reported in individuals with hearing loss, but has been identified in 0.1% (12/12560) of South Asian chromosomes by the Ex ome Aggregation Consortium (ExAC; dbSNP rs145231 394). This variant is not conserved across species. Of note, 2 mammals (pig an d white rhinoceros) and 5 reptiles have a valine (Val) at this position, suggest ing that the change at this position may be tolerated. In addition, computation al prediction tools suggest that the p.Ala44Val variant may not impact the prote in, though this information is not predictive enough to rule out pathogenicity. In summary, while the clinical significance of the p.Ala44Val variant is uncert ain, the available data suggest that it is more likely to be benign.

NM_144991.3(TSPEAR):c.131C>T (p.Ala44Val)

Gene: TSPEAR (thrombospondin type laminin G domain and EAR repeats; minus strand). Cytogenetic location: 21q22.3.
Variant type: single nucleotide variant.
Coding change: c.131C>T on transcript NM_144991.3 (MANE Select); coding-DNA position 131, C replaced by T.
Protein change: p.Ala44Val; replaces alanine 44 with valine.
Molecular consequence: missense variant. On other transcripts: 5 prime UTR variant (1).
Genome position (GRCh38, 1-based): chr21:44,567,957, G>A on the plus strand (C>T on the coding strand, the complement: TSPEAR is on the minus strand). VCF-style: chr21-44567957-G-A. GRCh37 (hg19) VCF-style: chr21-45987841-G-A.
Other names: c.-74C>T (NM_001272037.2); short protein forms A44V.
Identifiers: ClinVar variation 229371 (VCV000229371.13), dbSNP rs145231394, ClinGen allele CA10058083.